The following is an entry in ClinVar:

ClinVar aggregate classification (germline): Likely pathogenic (1 of 4 stars; one submission).

Conditions:
Autosomal dominant familial hematuria-retinal arteriolar tortuosity-contractures syndrome. Also called: Angiopathy, hereditary, with nephropathy, aneurysms, and muscle cramps; Hereditary Angiopathy with Nephropathy, Aneurysms, and Muscle Cramps (HANAC) Syndrome. Identifiers: Orphanet 73229, MedGen C2673195, MONDO:0012726, OMIM 611773.

Submission:

MVZ Medizinische Genetik Mainz
Classification: Likely pathogenic for Autosomal dominant familial hematuria-retinal arteriolar tortuosity-contractures syndrome. Last evaluated: 2022-11-10. Review status: criteria provided, single submitter. Criteria: UK Practice Guidelines For Variant Classification V4 01 2020. Collection method: clinical testing. Allele origin: germline. Inheritance: Autosomal dominant inheritance. Affected: yes. Observed: 1 variant allele.
Comment: ACMG Criteria: PM1_STR,PM2_SUP,PP3

NM_001845.6(COL4A1):c.3674G>T (p.Gly1225Val)

Gene: COL4A1 (collagen type IV alpha 1 chain; minus strand). Cytogenetic location: 13q34.
Variant type: single nucleotide variant.
Coding change: c.3674G>T on transcript NM_001845.6 (MANE Select); coding-DNA position 3674, G replaced by T.
Protein change: p.Gly1225Val; replaces glycine 1225 with valine.
Molecular consequence: missense variant.
Genome position (GRCh38, 1-based): chr13:110,170,615, C>A on the plus strand (G>T on the coding strand, the complement: COL4A1 is on the minus strand). VCF-style: chr13-110170615-C-A. GRCh37 (hg19) VCF-style: chr13-110822962-C-A.
Other names: short protein forms G1225V.
Identifiers: ClinVar variation 3234100 (VCV003234100.1), dbSNP rs1555302454, ClinGen allele CA388662452.